The following is an entry in ClinVar:

ClinVar aggregate classification (germline): Benign/Likely benign. Review status: criteria provided, multiple submitters, no conflicts (2 of 4 stars). 3 submissions from 3 submitters: Benign (2); Likely benign (1). Last evaluated 2026-01-21.

Submissions (3):

Women's Health and Genetics/Laboratory Corporation of America, LabCorp
Classification: Benign. Last evaluated: 2026-01-21. Review status: criteria provided, single submitter. Criteria: LabCorp Variant Classification Summary - May 2015. Collection method: clinical testing. Allele origin: germline.

Blueprint Genetics
Classification: Likely benign. Last evaluated: 2024-11-26. Review status: criteria provided, single submitter. Criteria: ACMG Guidelines, 2015. Collection method: clinical testing. Allele origin: germline.

Unidad de Genómica Garrahan, Hospital de Pediatría Garrahan
Classification: Benign. Last evaluated: 2023-11-14. Review status: criteria provided, single submitter. Criteria: ACMG Guidelines, 2015. Collection method: clinical testing. Allele origin: germline. Affected: no. Observed: 34 variant alleles.
Comment: This variant is classified as Benign based on local population frequency. This variant was detected in 35% of patients studied by a panel of primary immunodeficiencies. Number of patients: 34. Only high quality variants are reported.

NM_002796.3(PSMB4):c.-17C>T

Gene: PSMB4 (proteasome 20S subunit beta 4; plus strand). Cytogenetic location: 1q21.3.
Variant type: single nucleotide variant.
Coding change: c.-17C>T on transcript NM_002796.3 (MANE Select); 17 bases upstream of the start codon, C replaced by T.
Genome position (GRCh38, 1-based): chr1:151,399,571, C>T. VCF-style: chr1-151399571-C-T. GRCh37 (hg19) VCF-style: chr1-151372047-C-T.
Identifiers: ClinVar variation 2637879 (VCV002637879.4), dbSNP rs2296840, ClinGen allele CA1090538.